The following is an entry in ClinVar:

NM_007294.4(BRCA1):c.1344C>T (p.His448=)

Gene: BRCA1 (BRCA1 DNA repair associated; minus strand). Cytogenetic location: 17q21.31.
Variant type: single nucleotide variant.
Coding change: c.1344C>T on transcript NM_007294.4 (MANE Select); coding-DNA position 1344, C replaced by T.
Protein change: p.His448=; no amino-acid change (histidine 448 retained).
Molecular consequence: synonymous variant. On other transcripts: intron variant (137).
Genome position (GRCh38, 1-based): chr17:43,094,187, G>A on the plus strand (C>T on the coding strand, the complement: BRCA1 is on the minus strand). VCF-style: chr17-43094187-G-A. GRCh37 (hg19) VCF-style: chr17-41246204-G-A.
Other names: c.1221C>T, p.His407= (NM_001407937.1, NM_001407938.1, NM_001407939.1 and 19 more transcripts); c.1218C>T, p.His406= (NM_001407940.1, NM_001407941.1, NM_001407649.1 and 11 more transcripts); c.1203C>T, p.His401= (NM_001407942.1, NM_001407944.1, NM_001407945.1 and 29 more transcripts); c.1200C>T, p.His400= (NM_001407943.1, NM_001407964.1, NM_001407740.1 and 20 more transcripts); c.1011C>T, p.His337= (NM_001407946.1, NM_001407947.1, NM_001407948.1 and 6 more transcripts); c.1008C>T, p.His336= (NM_001407954.1, NM_001407955.1, NM_001407956.1 and 1 more transcripts); c.963C>T, p.His321= (NM_001407959.1, NM_001407960.1, NM_001407963.1); c.960C>T, p.His320= (NM_001407962.1); and 40 more.
Identifiers: ClinVar variation 491033 (VCV000491033.12), dbSNP rs1395644015, ClinGen allele CA500233341.
Genomic context (GRCh38, chr17:43,094,187, plus strand): 5'-CTTCTTCCGATAGGTTTTCCCAAATATTTTGTCTTCAATATTACTCTCTACTGATTTGGA[G>A]TGAACTCTTTCACTTTTACATATTAAAGCCTCATGAGGATCACTGGCCAGTAAGTCTATT-3'
Protein context (NP_009225.1, residues 438-458): EALICKSERV[His448=]SKSVESNIED

ClinVar aggregate classification (germline): Likely benign. Review status: criteria provided, multiple submitters, no conflicts (2 of 4 stars). 3 submissions from 3 submitters: Likely benign (3). Last evaluated 2024-05-06.

Conditions:
Hereditary breast ovarian cancer syndrome. Also called: Breast and ovarian cancer; Hereditary breast and/or ovarian cancer syndrome; Hereditary breast and ovarian cancer; Hereditary breast and ovarian cancer syndrome (HBOC); BRCA1- and BRCA2-Associated Hereditary Breast and Ovarian Cancer; Hereditary breast and ovarian cancer syndrome. Identifiers: Orphanet 145, MedGen C0677776, MeSH D061325, MONDO:0003582. Disease mechanism: loss of function.
Hereditary cancer-predisposing syndrome. Also called: Hereditary Cancer Syndrome; Neoplastic Syndromes, Hereditary; Tumor predisposition; Hereditary neoplastic syndrome. Identifiers: Orphanet 140162, MedGen C0027672, MeSH D009386, MONDO:0015356.

Allele frequency attached by ClinVar (database versions not stated): gnomAD exomes below 0.00001.

Submissions (3):

Labcorp Genetics (formerly Invitae), Labcorp
Classification: Likely benign for Hereditary breast ovarian cancer syndrome. Last evaluated: 2024-05-06. Review status: criteria provided, single submitter. Criteria: Invitae Variant Classification Sherloc (09022015). Collection method: clinical testing. Allele origin: germline.

GeneDx
Classification: Likely benign. Last evaluated: 2017-08-22. Review status: criteria provided, single submitter. Criteria: GeneDx Variant Classification (06012015). Collection method: clinical testing. Allele origin: germline. Affected: yes.
Comment: This variant is considered likely benign or benign based on one or more of the following criteria: it is a conservative change, it occurs at a poorly conserved position in the protein, it is predicted to be benign by multiple in silico algorithms, and/or has population frequency not consistent with disease.

Color Diagnostics, LLC DBA Color Health
Classification: Likely benign for Hereditary cancer-predisposing syndrome. Last evaluated: 2017-08-10. Review status: criteria provided, single submitter. Criteria: ACMG Guidelines, 2015. Collection method: clinical testing. Allele origin: germline.